The following is an entry in ClinVar:

ClinVar aggregate classification (germline): Uncertain significance (1 of 4 stars; one submission).

Allele frequency attached by ClinVar (database versions not stated): gnomAD exomes below 0.00001; ExAC 0.00001; gnomAD 0.00001; TOPMed 0.00002.
gnomAD v4.1: 5 of 1,612,892 alleles (0.00031%); highest among the groups gnomAD compares: Admixed American, 0.0017%; no homozygotes.

Submission:

Labcorp Genetics (formerly Invitae), Labcorp
Classification: Uncertain significance. Last evaluated: 2021-12-02. Review status: criteria provided, single submitter. Criteria: Invitae Variant Classification Sherloc (09022015). Collection method: clinical testing. Allele origin: germline.
Comment: This variant is present in population databases (rs749233540, gnomAD 0.007%). In summary, the available evidence is currently insufficient to determine the role of this variant in disease. Therefore, it has been classified as a Variant of Uncertain Significance. Algorithms developed to predict the effect of sequence changes on RNA splicing suggest that this variant may create or strengthen a splice site. Algorithms developed to predict the effect of missense changes on protein structure and function are either unavailable or do not agree on the potential impact of this missense change (SIFT: "Deleterious"; PolyPhen-2: "Benign"; Align-GVGD: "Class C0"). This variant has not been reported in the literature in individuals affected with AHDC1-related conditions. This sequence change replaces arginine, which is basic and polar, with glutamine, which is neutral and polar, at codon 1111 of the AHDC1 protein (p.Arg1111Gln).

NM_001371928.1(AHDC1):c.3332G>A (p.Arg1111Gln)

Gene: AHDC1 (AT-hook DNA binding motif containing 1; minus strand). Cytogenetic location: 1p36.11.
Variant type: single nucleotide variant.
Coding change: c.3332G>A on transcript NM_001371928.1 (MANE Select); coding-DNA position 3332, G replaced by A.
Protein change: p.Arg1111Gln; replaces arginine 1111 with glutamine.
Molecular consequence: missense variant.
Genome position (GRCh38, 1-based): chr1:27,548,784, C>T on the plus strand (G>A on the coding strand, the complement: AHDC1 is on the minus strand). VCF-style: chr1-27548784-C-T. GRCh37 (hg19) VCF-style: chr1-27875295-C-T.
Other names: c.3332G>A, p.Arg1111Gln (NM_001029882.3); short protein forms R1111Q.
Identifiers: ClinVar variation 1503762 (VCV001503762.6), dbSNP rs749233540, ClinGen allele CA715572.